The following is an entry in ClinVar:

NM_004187.5(KDM5C):c.772C>T (p.Arg258Trp)

Gene: KDM5C (lysine demethylase 5C; minus strand). Cytogenetic location: Xp11.22.
Variant type: single nucleotide variant.
Coding change: c.772C>T on transcript NM_004187.5 (MANE Select); coding-DNA position 772, C replaced by T.
Protein change: p.Arg258Trp; replaces arginine 258 with tryptophan.
Molecular consequence: missense variant. On other transcripts: non-coding transcript variant (3).
Genome position (GRCh38, 1-based): chrX:53,216,083, G>A on the plus strand (C>T on the coding strand, the complement: KDM5C is on the minus strand). VCF-style: chrX-53216083-G-A. GRCh37 (hg19) VCF-style: chrX-53245265-G-A.
Other names: c.571C>T, p.Arg191Trp (NM_001146702.2); c.769C>T, p.Arg257Trp (NM_001282622.3, NM_001353979.2, NM_001353982.2); c.772C>T, p.Arg258Trp (NM_001353978.3, NM_001353981.2, NM_001353984.2); short protein forms R191W, R257W, R258W.
Identifiers: ClinVar variation 2965599 (VCV002965599.3), dbSNP rs1569278482, ClinGen allele CA413133364.

ClinVar aggregate classification (germline): Uncertain significance (1 of 4 stars; one submission).

Conditions:
Spastic paraplegia. Identifiers: MedGen C0037772, HP:0001258.

Allele frequency attached by ClinVar (database versions not stated): gnomAD 0.00001; TOPMed 0.00001.
gnomAD v4.1: 3 of 1,211,185 alleles (0.00025%); highest among the groups gnomAD compares: African/African-American, 0.0017%; no homozygotes.

Submission:

Labcorp Genetics (formerly Invitae), Labcorp
Classification: Uncertain significance for Spastic paraplegia. Last evaluated: 2023-05-20. Review status: criteria provided, single submitter. Criteria: Invitae Variant Classification Sherloc (09022015). Collection method: clinical testing. Allele origin: germline.
Comment: Advanced modeling of protein sequence and biophysical properties (such as structural, functional, and spatial information, amino acid conservation, physicochemical variation, residue mobility, and thermodynamic stability) performed at Invitae indicates that this missense variant is expected to disrupt KDM5C protein function. In summary, the available evidence is currently insufficient to determine the role of this variant in disease. Therefore, it has been classified as a Variant of Uncertain Significance. This variant has not been reported in the literature in individuals affected with KDM5C-related conditions. This variant is not present in population databases (gnomAD no frequency). This sequence change replaces arginine, which is basic and polar, with tryptophan, which is neutral and slightly polar, at codon 258 of the KDM5C protein (p.Arg258Trp).